The following is an entry in ClinVar:

NM_022772.4(EPS8L2):c.1576C>G (p.Arg526Gly)

Gene: EPS8L2 (EPS8 signaling adaptor L2; plus strand). Cytogenetic location: 11p15.5.
Variant type: single nucleotide variant.
Coding change: c.1576C>G on transcript NM_022772.4 (MANE Select); coding-DNA position 1576, C replaced by G.
Protein change: p.Arg526Gly; replaces arginine 526 with glycine.
Molecular consequence: missense variant.
Genome position (GRCh38, 1-based): chr11:725,743, C>G. VCF-style: chr11-725743-C-G. GRCh37 (hg19) VCF-style: chr11-725743-C-G.
Other names: c.1576C>G, p.Arg526Gly (NM_001441192.1, NM_001441193.1); c.1039C>G, p.Arg347Gly (NM_001441194.1); short protein forms R347G, R526G.
Identifiers: ClinVar variation 4978691 (VCV004978691.1).

ClinVar aggregate classification (germline): Uncertain significance (1 of 4 stars; one submission).

Conditions:
EPS8L2-related disorder. Also called: EPS8L2-related condition.

gnomAD v4.1: 35 of 1,329,802 alleles (0.0026%); highest among the groups gnomAD compares: East Asian, 0.098%; no homozygotes.

Submission:

PreventionGenetics, part of Exact Sciences
Classification: Uncertain significance for EPS8L2-related condition. Last evaluated: 2025-12-29. Review status: criteria provided, single submitter. Criteria: ACMG Guidelines, 2015. Collection method: clinical testing. Allele origin: germline.
Comment: The EPS8L2 c.1576C>G variant is predicted to result in the amino acid substitution p.Arg526Gly. To our knowledge, this variant has not been reported in the literature. This variant is reported in 0.14% of alleles in individuals of East Asian descent in gnomAD. Although we suspect that this variant may be benign, at this time, the clinical significance of this variant is uncertain due to the absence of conclusive functional and genetic evidence.